The following is an entry in ClinVar:

NM_025179.4(PLXNA2):c.4661-9T>C

Gene: PLXNA2 (plexin A2; minus strand). Cytogenetic location: 1q32.2.
Variant type: single nucleotide variant.
Coding change: c.4661-9T>C on transcript NM_025179.4 (MANE Select); 9 bases into the intron before coding-DNA position 4661, T replaced by C.
Molecular consequence: intron variant.
Genome position (GRCh38, 1-based): chr1:208,038,483, A>G on the plus strand (T>C on the coding strand, the complement: PLXNA2 is on the minus strand). VCF-style: chr1-208038483-A-G. GRCh37 (hg19) VCF-style: chr1-208211828-A-G.
Identifiers: ClinVar variation 3355338 (VCV003355338.1).

ClinVar aggregate classification (germline): Likely benign (0 of 4 stars; one submission).

Conditions:
PLXNA2-related disorder. Also called: PLXNA2-related condition.

gnomAD v4.1: 22 of 1,608,004 alleles (0.0014%); highest among the groups gnomAD compares: Non-Finnish European, 0.0019%; 1 homozygote.

Submission:

PreventionGenetics, part of Exact Sciences
Classification: Likely benign for PLXNA2-related condition. Last evaluated: 2021-11-09. Review status: no assertion criteria provided. Collection method: clinical testing. Allele origin: germline.
Comment: This variant is classified as likely benign based on ACMG/AMP sequence variant interpretation guidelines (Richards et al. 2015 PMID: 25741868, with internal and published modifications).